The following is an entry in ClinVar:

NM_000257.4(MYH7):c.999T>G (p.Asp333Glu)

Gene: MYH7 (myosin heavy chain 7; minus strand). Cytogenetic location: 14q11.2.
Variant type: single nucleotide variant.
Coding change: c.999T>G on transcript NM_000257.4 (MANE Select); coding-DNA position 999, T replaced by G.
Protein change: p.Asp333Glu; replaces aspartic acid 333 with glutamic acid.
Molecular consequence: missense variant.
Genome position (GRCh38, 1-based): chr14:23,430,560, A>C on the plus strand (T>G on the coding strand, the complement: MYH7 is on the minus strand). VCF-style: chr14-23430560-A-C. GRCh37 (hg19) VCF-style: chr14-23899769-A-C.
Other names: short protein forms D333E.
Identifiers: ClinVar variation 843431 (VCV000843431.10), dbSNP rs1440440623, ClinGen allele CA389051584.

ClinVar aggregate classification (germline): Uncertain significance. Review status: criteria provided, multiple submitters, no conflicts (2 of 4 stars). 2 submissions from 2 submitters: Uncertain significance (2). Last evaluated 2021-12-03.

Conditions:
Hypertrophic cardiomyopathy. Also called: HYPERTROPHIC MYOCARDIOPATHY. Identifiers: Orphanet 217569, MedGen C0007194, MeSH D002312, MONDO:0005045, HP:0001639.

Submissions (2):

Blueprint Genetics
Classification: Uncertain significance. Last evaluated: 2021-12-03. Review status: criteria provided, single submitter. Criteria: ACMG Guidelines, 2015. Collection method: clinical testing. Allele origin: germline.

Labcorp Genetics (formerly Invitae), Labcorp
Classification: Uncertain significance for Hypertrophic cardiomyopathy. Last evaluated: 2019-02-07. Review status: criteria provided, single submitter. Criteria: Invitae Variant Classification Sherloc (09022015). Collection method: clinical testing. Allele origin: germline.
Comment: In summary, the available evidence is currently insufficient to determine the role of this variant in disease. Therefore, it has been classified as a Variant of Uncertain Significance. This variant is found within a region of MYH7 between codons 181 and 937 that contains the majority of the myosin head domain. Missense variants in this region have been shown to be significantly overrepresented in individuals with hypertrophic cardiomyopathy (PMID: 27532257). Algorithms developed to predict the effect of sequence changes on RNA splicing suggest that this variant may create or strengthen a splice site, but this prediction has not been confirmed by published transcriptional studies. Algorithms developed to predict the effect of missense changes on protein structure and function are either unavailable or do not agree on the potential impact of this missense change (SIFT: "Deleterious"; PolyPhen-2: "Benign"; Align-GVGD: "Class C0"). This variant has not been reported in the literature in individuals with MYH7-related conditions. This variant is not present in population databases (ExAC no frequency). This sequence change replaces aspartic acid with glutamic acid at codon 333 of the MYH7 protein (p.Asp333Glu). The aspartic acid residue is highly conserved and there is a small physicochemical difference between aspartic acid and glutamic acid.

Literature cited by the submitters: PubMed 27532257 (cited by Labcorp Genetics (formerly Invitae), Labcorp).